The following is an entry in ClinVar:

NM_000138.5(FBN1):c.3187dup (p.Ser1063fs)

Gene: FBN1 (fibrillin 1; minus strand). Cytogenetic location: 15q21.1.
Variant type: Duplication.
Coding change: c.3187dup on transcript NM_000138.5 (MANE Select); coding-DNA position 3187, one base duplicated (T; older notation c.3187dupT).
Protein change: p.Ser1063fs; shifts the reading frame from serine 1063.
Molecular consequence: frameshift variant.
Genome position (GRCh38, 1-based): chr15:48,488,389, A duplicated on the plus strand (T on the coding strand, the reverse complement: FBN1 is on the minus strand); the first of 2 consecutive A bases (chr15:48,488,389-48,488,390); duplicating either gives the same sequence. VCF-style (leftmost placement, unchanged base first): chr15-48488388-G-GA. GRCh37 (hg19) VCF-style: chr15-48780585-G-GA.
Other names: c.3187dupT (NM_000138.4); short protein forms S1063fs.
Identifiers: ClinVar variation 632804 (VCV000632804.2), dbSNP rs1566909885, ClinGen allele CA913190480.

ClinVar aggregate classification (germline): Pathogenic/Likely pathogenic. Review status: criteria provided, multiple submitters, no conflicts (2 of 4 stars). 2 submissions from 2 submitters: Pathogenic (1); Likely pathogenic (1). Last evaluated 2025-03-11.

Conditions:
Marfan Syndrome/Loeys-Dietz Syndrome/Familial Thoracic Aortic Aneurysms and Dissections. Identifiers: MedGen CN229799.
Familial thoracic aortic aneurysm and aortic dissection (TAAD). Also called: Thoracic aortic aneurysms and dissections. Identifiers: Orphanet 91387, MedGen C4707243, MONDO:0019625.
Marfan syndrome (MFS). Also called: FBN1-Related Marfan Syndrome; Marfan syndrome type 1; Marfan's syndrome; Marfan syndrome, classic; MARFAN SYNDROME, TYPE I. Identifiers: Orphanet 284963, Orphanet 558, MedGen C0024796, MONDO:0007947, OMIM 154700.

Submissions (2):

Labcorp Genetics (formerly Invitae), Labcorp
Classification: Pathogenic for Marfan syndrome; Familial thoracic aortic aneurysm and aortic dissection. Last evaluated: 2025-03-11. Review status: criteria provided, single submitter. Criteria: Invitae Variant Classification Sherloc (09022015). Collection method: clinical testing. Allele origin: germline.
Comment: This sequence change creates a premature translational stop signal (p.Ser1063Phefs*2) in the FBN1 gene. It is expected to result in an absent or disrupted protein product. Loss-of-function variants in FBN1 are known to be pathogenic (PMID: 17657824, 19293843). This variant is not present in population databases (gnomAD no frequency). This variant has not been reported in the literature in individuals affected with FBN1-related conditions. ClinVar contains an entry for this variant (Variation ID: 632804). For these reasons, this variant has been classified as Pathogenic.

Women's Health and Genetics/Laboratory Corporation of America, LabCorp
Classification: Likely pathogenic for Marfan Syndrome/Loeys-Dietz Syndrome/Familial Thoracic Aortic Aneurysms and Dissections. Last evaluated: 2018-03-19. Review status: criteria provided, single submitter. Criteria: LabCorp Variant Classification Summary - May 2015. Collection method: clinical testing. Allele origin: germline.
Comment: Variant summary: FBN1 c.3187dupT (p.Ser1063PhefsX2) results in a premature termination codon, predicted to cause a truncation of the encoded protein or absence of the protein due to nonsense mediated decay, which are commonly known mechanisms for disease. Truncations downstream of this position have been classified as pathogenic by our laboratory (e.g., p.Glu1065fsX23 and p.Cys1074X). The variant was absent in 277252 control chromosomes. To our knowledge, no occurrence of c.3187dupT in individuals affected with Marfan Syndrome and no experimental evidence demonstrating its impact on protein function have been reported. No clinical diagnostic laboratories have submitted clinical-significance assessments for this variant to ClinVar after 2014. Based on the evidence outlined above, the variant was classified as likely pathogenic.

Literature cited by the submitters: PubMed 17657824 (cited by Labcorp Genetics (formerly Invitae), Labcorp); PubMed 19293843 (cited by Labcorp Genetics (formerly Invitae), Labcorp).